The following is an entry in ClinVar:

NM_001008216.2(GALE):c.689_690del (p.Asp229_Tyr230insTer)

Gene: GALE (UDP-galactose-4-epimerase; minus strand). Cytogenetic location: 1p36.11.
Variant type: Deletion.
Coding change: c.689_690del on transcript NM_001008216.2 (MANE Select); coding-DNA positions 689 to 690, 2 bases deleted (AT; older notation c.689_690delAT).
Protein change: p.Asp229_Tyr230insTer.
Molecular consequence: nonsense.
Genome position (GRCh38, 1-based): chr1:23,796,895-23,796,896, AT deleted on the plus strand (AT on the coding strand, the reverse complement: GALE is on the minus strand); deleting any 2 consecutive bases within chr1:23,796,895-23,796,897 gives the same sequence; the c. name uses the placement nearest the transcript's 3' end. VCF-style (leftmost placement, unchanged base first): chr1-23796894-CAT-C. GRCh37 (hg19) VCF-style: chr1-24123384-CAT-C.
Other names: c.689_690del, p.Asp229_Tyr230insTer (NM_000403.4, NM_001127621.2).
Identifiers: ClinVar variation 2801209 (VCV002801209.3), dbSNP rs2521288727, ClinGen allele CA2739272413.
Genomic context (GRCh38, chr1:23,796,894, plus strand): 5'-TTCCTGGCTCCCACTCCTAGGTCCCCCTGGTCCTAGGCTCACCTGTGCCATCCTCTGTGT[CAT>C]AGTCATTGCCAAAGACATTCAGGGCCTCCCGTCGCCCGATCGCCACCTGGAGGTGGAGAT-3'

ClinVar aggregate classification (germline): Pathogenic (1 of 4 stars; one submission).

Conditions:
UDPglucose-4-epimerase deficiency. Also called: UDP-GALACTOSE-4-EPIMERASE DEFICIENCY; Galactose epimerase deficiency; UDPglucose 4-Epimerase Deficiency Disease; GALACTOSEMIA III; GALE DEFICIENCY; Epimerase Deficiency Galactosemia. Identifiers: Orphanet 352, Orphanet 79238, MedGen C0751161, MONDO:0009257, OMIM 230350.

Submission:

Labcorp Genetics (formerly Invitae), Labcorp
Classification: Pathogenic for UDPglucose-4-epimerase deficiency. Last evaluated: 2025-02-15. Review status: criteria provided, single submitter. Criteria: Invitae Variant Classification Sherloc (09022015). Collection method: clinical testing. Allele origin: germline.
Comment: This sequence change creates a premature translational stop signal (p.Tyr230*) in the GALE gene. It is expected to result in an absent or disrupted protein product. Loss-of-function variants in GALE are known to be pathogenic (PMID: 16301867). This variant is not present in population databases (gnomAD no frequency). This variant has not been reported in the literature in individuals affected with GALE-related conditions. ClinVar contains an entry for this variant (Variation ID: 2801209). For these reasons, this variant has been classified as Pathogenic.

Literature cited by the submitters: PubMed 16301867.